The following is an entry in ClinVar:

NM_001148.6(ANK2):c.4339A>T (p.Asn1447Tyr)

Gene: ANK2 (ankyrin 2; plus strand). Cytogenetic location: 4q26.
Variant type: single nucleotide variant.
Coding change: c.4339A>T on transcript NM_001148.6 (MANE Select); coding-DNA position 4339, A replaced by T.
Protein change: p.Asn1447Tyr; replaces asparagine 1447 with tyrosine.
Molecular consequence: missense variant.
Genome position (GRCh38, 1-based): chr4:113,345,990, A>T. VCF-style: chr4-113345990-A-T. GRCh37 (hg19) VCF-style: chr4-114267146-A-T.
Other names: c.4312A>T, p.Asn1438Tyr (NM_001127493.3); c.4351A>T, p.Asn1451Tyr (NM_001354225.2); c.4240A>T, p.Asn1414Tyr (NM_001354228.2, NM_001354258.2); c.4318A>T, p.Asn1440Tyr (NM_001354230.2); c.4381A>T, p.Asn1461Tyr (NM_001354231.2, NM_001354242.2); c.4375A>T, p.Asn1459Tyr (NM_001354232.2); c.4336A>T, p.Asn1446Tyr (NM_001354235.2, NM_001354246.2, NM_001354265.2); c.4237A>T, p.Asn1413Tyr (NM_001354236.2); and 31 more; short protein forms N1286Y, N1319Y, N1347Y, N1352Y, N1360Y, N1372Y, N1376Y, N1380Y.
Identifiers: ClinVar variation 1806510 (VCV001806510.1), dbSNP rs2504393412, ClinGen allele CA357913383.

ClinVar aggregate classification (germline): Uncertain significance (1 of 4 stars; one submission).

Submission:

GeneDx
Classification: Uncertain significance. Last evaluated: 2022-06-21. Review status: criteria provided, single submitter. Criteria: GeneDx Variant Classification Process June 2021. Collection method: clinical testing. Allele origin: germline. Affected: yes.
Comment: Not observed at significant frequency in large population cohorts (gnomAD); In silico analysis supports that this missense variant has a deleterious effect on protein structure/function; Has not been previously published as pathogenic or benign to our knowledge